The following is an entry in ClinVar:

NM_016203.4(PRKAG2):c.656C>T (p.Ser219Leu)

Gene: PRKAG2 (protein kinase AMP-activated non-catalytic subunit gamma 2; minus strand). Cytogenetic location: 7q36.1.
Variant type: single nucleotide variant.
Coding change: c.656C>T on transcript NM_016203.4 (MANE Select); coding-DNA position 656, C replaced by T.
Protein change: p.Ser219Leu; replaces serine 219 with leucine.
Molecular consequence: missense variant. On other transcripts: intron variant (5).
Genome position (GRCh38, 1-based): chr7:151,675,448, G>A on the plus strand (C>T on the coding strand, the complement: PRKAG2 is on the minus strand). VCF-style: chr7-151675448-G-A. GRCh37 (hg19) VCF-style: chr7-151372534-G-A.
Other names: c.524C>T, p.Ser175Leu (NM_001040633.2, NM_001407024.1, NM_001407026.1 and 1 more transcripts); c.284C>T, p.Ser95Leu (NM_001304527.2, NM_001363698.2, NM_001407028.1 and 1 more transcripts); c.656C>T, p.Ser219Leu (NM_001407021.1, NM_001407022.1, NM_001407023.1); c.338C>T, p.Ser113Leu (NM_001407032.1); c.467-79997C>T (NM_001407031.1); c.467-79994C>T (NM_001407030.1); c.361-43310C>T (NM_001407033.1); c.94+60452C>T (NM_001407037.1); and 1 more; short protein forms S113L, S175L, S219L, S95L.
Identifiers: ClinVar variation 3075329 (VCV003075329.1), dbSNP rs2537255208, ClinGen allele CA370187011.
Genomic context (GRCh38, chr7:151,675,448, plus strand): 5'-GCAGCCCCACCCACAGAAGGGCCCAGACTTACGGCTTTGGAGGGAGCATAGTGTGTCGGT[G>A]ATGCCAGTGGAGGCCTGGTCGGGCTCTGGAAGGAAGACGGGCAGAACCTCTGCCCTGTGT-3'
Protein context (NP_057287.2, residues 209-229): FQSPTRPPLA[Ser219Leu]PTHYAPSKAA

ClinVar aggregate classification (germline): Uncertain significance (1 of 4 stars; one submission).

Conditions:
Hypertrophic cardiomyopathy. Also called: HYPERTROPHIC MYOCARDIOPATHY. Identifiers: Orphanet 217569, MedGen C0007194, MeSH D002312, MONDO:0005045, HP:0001639.

Submission:

All of Us Research Program, National Institutes of Health
Classification: Uncertain significance for Hypertrophic cardiomyopathy. Last evaluated: 2024-01-11. Review status: criteria provided, single submitter. Criteria: ACMG Guidelines, 2015. Collection method: clinical testing. Allele origin: germline. Inheritance: Autosomal dominant inheritance. Observed: 1 variant allele, 1 heterozygote.
Comment: This study involves interpretation of variants in research participants for the purpose of population health screening. Participant phenotype was not available at the time of variant classification. Additional details can be found in publication PMID: 35346344, PMCID: PMC8962531